The following is an entry in ClinVar:

ClinVar aggregate classification (germline): Pathogenic/Likely pathogenic. Review status: criteria provided, multiple submitters, no conflicts (2 of 4 stars). 2 submissions from 2 submitters: Pathogenic (1); Likely pathogenic (1). Last evaluated 2025-01-15.

Conditions:
Pheochromocytoma. Also called: MAX-Related Hereditary Paraganglioma-Pheochromocytoma Syndrome. Identifiers: Orphanet 29072, MedGen C0031511, MONDO:0008233, OMIM 171300, HP:0002666.
Cowden syndrome 3 (CWS3). Identifiers: Orphanet 201, MedGen CN166604, MONDO:0014045.
Paragangliomas with sensorineural hearing loss. Identifiers: MedGen C1868633.
Carney-Stratakis syndrome. Also called: PARAGANGLIOMA AND GASTROINTESTINAL STROMAL TUMOR. Identifiers: Orphanet 97286, MedGen C1847319, MONDO:0011740, OMIM 606864.
Hereditary cancer-predisposing syndrome. Also called: Tumor predisposition; Hereditary neoplastic syndrome; Neoplastic Syndromes, Hereditary; Hereditary Cancer Syndrome. Identifiers: Orphanet 140162, MedGen C0027672, MeSH D009386, MONDO:0015356.

Submissions (2):

Ambry Genetics
Classification: Pathogenic for Hereditary cancer-predisposing syndrome. Last evaluated: 2025-01-15. Review status: criteria provided, single submitter. Criteria: Ambry Variant Classification Scheme 2023. Collection method: clinical testing. Allele origin: germline.
Comment: The p.H102P pathogenic mutation (also known as c.305A>C), located in coding exon 3 of the SDHD gene, results from an A to C substitution at nucleotide position 305. The histidine at codon 102 is replaced by proline, an amino acid with similar properties. This variant was reported in individual(s) with features consistent with SDHD-related paraganglioma-pheochromocytoma syndrome (Ma X et al. Front Endocrinol (Lausanne), 2020 Dec;11:574662; Ambry internal data). This amino acid position is highly conserved in available vertebrate species. In addition, this alteration is predicted to be deleterious by in silico analysis. This variant is considered to be rare based on population cohorts in the Genome Aggregation Database (gnomAD). Based on the supporting evidence, this variant is interpreted as a disease-causing mutation.

Labcorp Genetics (formerly Invitae), Labcorp
Classification: Likely pathogenic for Carney-Stratakis syndrome; Paragangliomas with sensorineural hearing loss; Pheochromocytoma; Cowden syndrome 3. Last evaluated: 2021-05-06. Review status: criteria provided, single submitter. Criteria: Invitae Variant Classification Sherloc (09022015). Collection method: clinical testing. Allele origin: germline.
Comment: In summary, the currently available evidence indicates that the variant is pathogenic, but additional data are needed to prove that conclusively. Therefore, this variant has been classified as Likely Pathogenic. This variant disrupts the p.His102 amino acid residue in SDHD. Other variant(s) that disrupt this residue have been determined to be pathogenic (PMID: 10657297, 12811540, 19454582, 22025150, 22241717, Invitae). This suggests that this residue is clinically significant, and that variants that disrupt this residue are likely to be disease-causing. Algorithms developed to predict the effect of missense changes on protein structure and function (SIFT, PolyPhen-2, Align-GVGD) all suggest that this variant is likely to be disruptive, but these predictions have not been confirmed by published functional studies and their clinical significance is uncertain. This variant has been observed in several individuals affected with clinical features of SDHD-related hereditary paraganglioma-pheochromocytoma syndrome (PMID: 19454582, Invitae). This variant is not present in population databases (ExAC no frequency). This sequence change replaces histidine with proline at codon 102 of the SDHD protein (p.His102Pro). The histidine residue is highly conserved and there is a moderate physicochemical difference between histidine and proline.

Literature cited by the submitters: PubMed 33362715 (cited by Ambry Genetics); PubMed 10657297 (cited by Labcorp Genetics (formerly Invitae), Labcorp); PubMed 12811540 (cited by Labcorp Genetics (formerly Invitae), Labcorp); PubMed 19454582 (cited by Labcorp Genetics (formerly Invitae), Labcorp); PubMed 22025150 (cited by Labcorp Genetics (formerly Invitae), Labcorp); PubMed 22241717 (cited by Labcorp Genetics (formerly Invitae), Labcorp).

NM_003002.4(SDHD):c.305A>C (p.His102Pro)

Gene: SDHD (succinate dehydrogenase complex subunit D; plus strand). Cytogenetic location: 11q23.1.
Variant type: single nucleotide variant.
Coding change: c.305A>C on transcript NM_003002.4 (MANE Select); coding-DNA position 305, A replaced by C.
Protein change: p.His102Pro; replaces histidine 102 with proline.
Molecular consequence: missense variant. On other transcripts: non-coding transcript variant (1), intron variant (1).
Genome position (GRCh38, 1-based): chr11:112,089,002, A>C. VCF-style: chr11-112089002-A-C. GRCh37 (hg19) VCF-style: chr11-111959726-A-C.
Other names: c.305A>C (NM_003002.2); c.188A>C, p.His63Pro (NM_001276504.2); c.305A>C, p.His102Pro (NM_001276506.2); c.169+1029A>C (NM_001276503.2); short protein forms H102P, H63P.
Identifiers: ClinVar variation 950869 (VCV000950869.12), dbSNP rs104894302, ClinGen allele CA382617414.